The following is an entry in ClinVar:

NM_001759.4(CCND2):c.*2206C>T

Gene: CCND2 (cyclin D2; plus strand). Cytogenetic location: 12p13.32.
Variant type: single nucleotide variant.
Coding change: c.*2206C>T on transcript NM_001759.4 (MANE Select); 2206 bases downstream of the stop codon, C replaced by T.
Molecular consequence: 3 prime UTR variant.
Genome position (GRCh38, 1-based): chr12:4,302,215, C>T. VCF-style: chr12-4302215-C-T. GRCh37 (hg19) VCF-style: chr12-4411381-C-T.
Identifiers: ClinVar variation 2642588 (VCV002642588.24), dbSNP rs190269104, ClinGen allele CA13612020.

ClinVar aggregate classification (germline): Benign (1 of 4 stars; one submission).

Allele frequency attached by ClinVar (database versions not stated): 1000 Genomes Project 0.00120; 1000 Genomes Project 30x 0.00125; gnomAD exomes 0.00432; TOPMed 0.00436; gnomAD 0.00523.
gnomAD v4.1: 1,138 of 232,988 alleles (0.49%); highest among the groups gnomAD compares: Admixed American, 0.71%; 7 homozygotes.

Submission:

CeGaT Center for Human Genetics Tuebingen
Classification: Benign. Last evaluated: 2023-06-01. Review status: criteria provided, single submitter. Criteria: CeGaT Center For Human Genetics Tuebingen Variant Classification Criteria Version 2. Collection method: clinical testing. Allele origin: germline. Affected: yes. Observed: 11 variant alleles.
Comment: CCND2: BS1, BS2